The following is an entry in ClinVar:

ClinVar aggregate classification (germline): Pathogenic/Likely pathogenic. Review status: criteria provided, multiple submitters, no conflicts (2 of 4 stars). 8 submissions from 8 submitters: Pathogenic (3); Likely pathogenic (5). Last evaluated 2024-10-11.

Conditions:
FANCC-related disorder. Also called: FANCC-related condition.
Hereditary cancer-predisposing syndrome. Also called: Neoplastic Syndromes, Hereditary; Hereditary Cancer Syndrome; Tumor predisposition; Hereditary neoplastic syndrome. Identifiers: Orphanet 140162, MedGen C0027672, MeSH D009386, MONDO:0015356.
Fanconi anemia (FA). Also called: Fanconi's anemia. Identifiers: Orphanet 84, MedGen C0015625, MeSH D005199, MONDO:0019391.
Fanconi anemia complementation group C (FANCC). Also called: FANCONI PANCYTOPENIA, TYPE 3; FACC; Fanconi anemia, group C; FANCC-Related Fanconi Anemia. Identifiers: Orphanet 84, MedGen C3468041, MONDO:0009213, OMIM 227645.

Submissions (8):

Ambry Genetics
Classification: Pathogenic for Hereditary cancer-predisposing syndrome. Last evaluated: 2024-10-11. Review status: criteria provided, single submitter. Criteria: Ambry Variant Classification Scheme 2023. Collection method: clinical testing. Allele origin: germline.
Comment: The c.1257dupC pathogenic mutation, located in coding exon 12 of the FANCC gene, results from a duplication of C at nucleotide position 1257, causing a translational frameshift with a predicted alternate stop codon (p.T420Hfs*15). This alteration is expected to result in loss of function by premature protein truncation or nonsense-mediated mRNA decay. As such, this alteration is interpreted as a disease-causing mutation.

Quest Diagnostics Nichols Institute San Juan Capistrano
Classification: Likely pathogenic. Last evaluated: 2024-08-08. Review status: criteria provided, single submitter. Criteria: Quest Diagnostics criteria. Collection method: clinical testing. Allele origin: unknown.
Comment: The FANCC c.1257dup (p.Thr420Hisfs*15) variant alters the translational reading frame of the FANCC mRNA and is predicted to cause the premature termination of FANCC protein synthesis. This variant has been reported in the published literature in an individual with ovarian cancer (PMID: 32235514 (2020)). The frequency of this variant in the general population, 0.000004 (1/251376 chromosomes (Genome Aggregation Database)), is consistent with pathogenicity. Based on the available information, this variant is classified as likely pathogenic.

Natera, Inc.
Classification: Likely pathogenic for Fanconi anemia. Last evaluated: 2024-04-08. Review status: criteria provided, single submitter. Criteria: Natera Variant Classification Schema (03/2026). Collection method: clinical testing. Allele origin: germline.
Comment: The c.1257dupC variant in FANCC is a frameshift variant predicted to shift the reading frame beginning at codon 420 and leads to a stop codon 15 codons downstream. This variant is expected to result in nonsense mediated decay, truncation, or a dysfunctional protein product. This variant is rare in the general population with a frequency below the threshold expected for the associated phenotype(s). Given the available evidence, this variant is classified as Likely Pathogenic.

Fulgent Genetics
Classification: Likely pathogenic for Fanconi anemia complementation group C. Last evaluated: 2024-01-11. Review status: criteria provided, single submitter. Criteria: ACMG Guidelines, 2015. Collection method: clinical testing. Allele origin: germline.

Labcorp Genetics (formerly Invitae), Labcorp
Classification: Pathogenic for Fanconi anemia. Last evaluated: 2023-05-02. Review status: criteria provided, single submitter. Criteria: Invitae Variant Classification Sherloc (09022015). Collection method: clinical testing. Allele origin: germline.
Comment: This variant is present in population databases (rs776037287, gnomAD 0.0009%). This sequence change creates a premature translational stop signal (p.Thr420Hisfs*15) in the FANCC gene. It is expected to result in an absent or disrupted protein product. Loss-of-function variants in FANCC are known to be pathogenic (PMID: 17924555). For these reasons, this variant has been classified as Pathogenic. ClinVar contains an entry for this variant (Variation ID: 545768). This variant has not been reported in the literature in individuals affected with FANCC-related conditions.

PreventionGenetics, part of Exact Sciences
Classification: Likely pathogenic for FANCC-related condition. Last evaluated: 2023-04-28. Review status: criteria provided, single submitter. Criteria: ACMG Guidelines, 2015. Collection method: clinical testing. Allele origin: germline.
Comment: The FANCC c.1257dupC variant is predicted to result in a frameshift and premature protein termination (p.Thr420Hisfs*15). This variant has been reported in a patient with ovarian cancer (Patient 18899 in Supplementary Table 1, del Valle et al. 2020. PubMed ID: 32235514). This variant is reported in 0.00088% of alleles in individuals of European (Non-Finnish) descent in gnomAD and is interpreted as pathogenic/likely pathogenic in ClinVar. Frameshift variants in FANCC are expected to be pathogenic. This variant is interpreted as likely pathogenic.

Mendelics
Classification: Pathogenic for Fanconi anemia complementation group C. Last evaluated: 2022-05-04. Review status: criteria provided, single submitter. Criteria: Mendelics Assertion Criteria 2019. Collection method: clinical testing. Allele origin: germline.

GeneDx
Classification: Likely pathogenic. Last evaluated: 2020-10-05. Review status: criteria provided, single submitter. Criteria: GeneDx Variant Classification Process June 2021. Collection method: clinical testing. Allele origin: germline. Affected: yes.
Comment: Frameshift variant predicted to result in protein truncation or nonsense mediated decay in a gene for which loss-of-function is a known mechanism of disease; Not observed at a significant frequency in large population cohorts (Lek 2016); Has not been previously published as pathogenic or benign to our knowledge; This variant is associated with the following publications: (PMID: 29922827, 32235514)

Literature cited by the submitters: PubMed 32235514 (cited by Quest Diagnostics Nichols Institute San Juan Capistrano); PubMed 29922827 (cited by Quest Diagnostics Nichols Institute San Juan Capistrano); PubMed 17924555 (cited by Labcorp Genetics (formerly Invitae), Labcorp).

NM_000136.3(FANCC):c.1257dup (p.Thr420fs)

Genes: AOPEP (aminopeptidase O (putative); plus strand), FANCC (FA complementation group C; minus strand). Cytogenetic location: 9q22.32.
Variant type: Duplication.
Coding change: c.1257dup on transcript NM_000136.3 (MANE Select); coding-DNA position 1257, one base duplicated (C; older notation c.1257dupC).
Protein change: p.Thr420fs; shifts the reading frame from threonine 420.
Molecular consequence: frameshift variant.
Genome position (GRCh38, 1-based): chr9:95,111,535, G duplicated on the plus strand (C on the coding strand, the reverse complement: FANCC is on the minus strand); the first of 6 consecutive G bases (chr9:95,111,535-95,111,540); duplicating any one gives the same sequence. VCF-style (leftmost placement, unchanged base first): chr9-95111534-T-TG. GRCh37 (hg19) VCF-style: chr9-97873816-T-TG.
Other names: c.1257dupC (NM_000136.2); c.1257dup, p.Thr420fs (NM_001243743.2, NM_001243744.2); short protein forms T420fs.
Identifiers: ClinVar variation 545768 (VCV000545768.17), dbSNP rs765551897, ClinGen allele CA5137413.